The following is an entry in ClinVar:

NM_032043.3(BRIP1):c.2507G>T (p.Arg836Ile)

Gene: BRIP1 (BRCA1 interacting DNA helicase 1; minus strand). Cytogenetic location: 17q23.2.
Variant type: single nucleotide variant.
Coding change: c.2507G>T on transcript NM_032043.3 (MANE Select); coding-DNA position 2507, G replaced by T.
Protein change: p.Arg836Ile; replaces arginine 836 with isoleucine.
Molecular consequence: missense variant.
Genome position (GRCh38, 1-based): chr17:61,693,498, C>A on the plus strand (G>T on the coding strand, the complement: BRIP1 is on the minus strand). VCF-style: chr17-61693498-C-A. GRCh37 (hg19) VCF-style: chr17-59770859-C-A.
Other names: short protein forms R836I.
Identifiers: ClinVar variation 407802 (VCV000407802.11), dbSNP rs1060501736, ClinGen allele CA16615500.

ClinVar aggregate classification (germline): Uncertain significance. Review status: criteria provided, multiple submitters, no conflicts (2 of 4 stars). 2 submissions from 2 submitters: Uncertain significance (2). Last evaluated 2025-08-15.

Conditions:
Hereditary cancer-predisposing syndrome. Also called: Hereditary neoplastic syndrome; Neoplastic Syndromes, Hereditary; Tumor predisposition; Hereditary Cancer Syndrome. Identifiers: Orphanet 140162, MedGen C0027672, MeSH D009386, MONDO:0015356.
Familial cancer of breast. Also called: Hereditary breast cancer; hereditary breast carcinoma; BREAST CANCER, FAMILIAL. Identifiers: Orphanet 227535, MedGen C0346153, MONDO:0016419, OMIM 114480. Disease mechanism: loss of function.
Fanconi anemia complementation group J. Also called: BRIP1-Related Fanconi Anemia. Identifiers: Orphanet 84, MedGen C1836860, MONDO:0012187, OMIM 609054.

Submissions (2):

Labcorp Genetics (formerly Invitae), Labcorp
Classification: Uncertain significance for Familial cancer of breast; Fanconi anemia complementation group J. Last evaluated: 2025-08-15. Review status: criteria provided, single submitter. Criteria: Invitae Variant Classification Sherloc (09022015). Collection method: clinical testing. Allele origin: germline.
Comment: This sequence change replaces arginine, which is basic and polar, with isoleucine, which is neutral and non-polar, at codon 836 of the BRIP1 protein (p.Arg836Ile). This variant is not present in population databases (gnomAD no frequency). This variant has not been reported in the literature in individuals affected with BRIP1-related conditions. ClinVar contains an entry for this variant (Variation ID: 407802). Invitae Evidence Modeling of protein sequence and biophysical properties (such as structural, functional, and spatial information, amino acid conservation, physicochemical variation, residue mobility, and thermodynamic stability) indicates that this missense variant is not expected to disrupt BRIP1 protein function with a negative predictive value of 95%. In summary, the available evidence is currently insufficient to determine the role of this variant in disease. Therefore, it has been classified as a Variant of Uncertain Significance.

Color Diagnostics, LLC DBA Color Health
Classification: Uncertain significance for Hereditary cancer-predisposing syndrome. Last evaluated: 2024-02-18. Review status: criteria provided, single submitter. Criteria: ACMG Guidelines, 2015. Collection method: clinical testing. Allele origin: germline.
Comment: This missense variant replaces arginine with isoleucine at codon 836 of the BRIP1 protein. Computational prediction suggests that this variant may not impact protein structure and function (internally defined REVEL score threshold <= 0.5, PMID: 27666373). To our knowledge, functional studies have not been reported for this variant. This variant has not been reported in individuals affected with BRIP1-related disorders in the literature. This variant has not been identified in the general population by the Genome Aggregation Database (gnomAD). The available evidence is insufficient to determine the role of this variant in disease conclusively. Therefore, this variant is classified as a Variant of Uncertain Significance.